The following is an entry in ClinVar:

NM_014738.6(TMEM94):c.2769G>A (p.Glu923=)

Gene: TMEM94 (transmembrane protein 94; plus strand). Cytogenetic location: 17q25.1.
Variant type: single nucleotide variant.
Coding change: c.2769G>A on transcript NM_014738.6 (MANE Select); coding-DNA position 2769, G replaced by A.
Protein change: p.Glu923=; no amino-acid change (glutamic acid 923 retained).
Molecular consequence: synonymous variant.
Genome position (GRCh38, 1-based): chr17:75,495,324, G>A. VCF-style: chr17-75495324-G-A. GRCh37 (hg19) VCF-style: chr17-73491405-G-A.
Other names: c.2799G>A, p.Glu933= (NM_001321148.2, NM_001438844.1); c.2781G>A, p.Glu927= (NM_001321149.2); c.2721G>A, p.Glu907= (NM_001351202.2); c.2796G>A, p.Glu932= (NM_001351203.2); c.2769G>A, p.Glu923= (NM_001438841.1, NM_001438847.1); c.2811G>A, p.Glu937= (NM_001438842.1, NM_001438843.1); c.2778G>A, p.Glu926= (NM_001438845.1); c.2751G>A, p.Glu917= (NM_001438846.1); and 1 more.
Identifiers: ClinVar variation 4534062 (VCV004534062.7).

ClinVar aggregate classification (germline): Likely benign. Review status: criteria provided, multiple submitters, no conflicts (2 of 4 stars). 2 submissions from 2 submitters: Likely benign (2). Last evaluated 2026-09-01.

gnomAD v4.1: 332 of 1,613,696 alleles (0.021%); highest among the groups gnomAD compares: Admixed American, 0.2%; 1 homozygote.

Submissions (2):

CeGaT Center for Human Genetics Tuebingen
Classification: Likely benign. Last evaluated: 2026-09-01. Review status: criteria provided, single submitter. Criteria: CeGaT Center For Human Genetics Tuebingen Variant Classification Criteria Version 2. Collection method: clinical testing. Allele origin: germline. Affected: yes. Observed: 2 variant alleles.
Comment: TMEM94: BP4, BP7

Blueprint Genetics
Classification: Likely benign. Last evaluated: 2024-11-13. Review status: criteria provided, single submitter. Criteria: ACMG Guidelines, 2015. Collection method: clinical testing. Allele origin: germline.